The following is an entry in ClinVar:

ClinVar aggregate classification (germline): Benign (1 of 4 stars; one submission).

Allele frequency attached by ClinVar (database versions not stated): 1000 Genomes Project 0.00220; 1000 Genomes Project 30x 0.00265; TOPMed 0.00315; ESP Exome Variant Server 0.00346; gnomAD 0.00427; gnomAD exomes 0.00438; ExAC 0.00548.
gnomAD v4.1: 6,420 of 1,432,032 alleles (0.45%); highest among the groups gnomAD compares: Non-Finnish European, 0.51%; 32 homozygotes.

Submission:

GeneDx
Classification: Benign. Last evaluated: 2015-05-13. Review status: criteria provided, single submitter. Criteria: GeneDx Variant Classification (06012015). Collection method: clinical testing. Allele origin: germline. Affected: yes.
Comment: This variant is considered likely benign or benign based on one or more of the following criteria: it is a conservative change, it occurs at a poorly conserved position in the protein, it is predicted to be benign by multiple in silico algorithms, and/or has population frequency not consistent with disease.

NM_144773.4(PROKR2):c.-8-41C>A

Gene: PROKR2 (prokineticin receptor 2; minus strand). Cytogenetic location: 20p12.3.
Variant type: single nucleotide variant.
Coding change: c.-8-41C>A on transcript NM_144773.4 (MANE Select); 41 bases into the intron before 8 bases upstream of the start codon, C replaced by A.
Molecular consequence: intron variant.
Genome position (GRCh38, 1-based): chr20:5,314,418, G>T on the plus strand (C>A on the coding strand, the complement: PROKR2 is on the minus strand). VCF-style: chr20-5314418-G-T. GRCh37 (hg19) VCF-style: chr20-5295064-G-T.
Identifiers: ClinVar variation 378431 (VCV000378431.1), dbSNP rs117050345, ClinGen allele CA9754469.